The following is an entry in ClinVar:

NM_020831.6(MRTFA):c.2356C>T (p.Pro786Ser)

Gene: MRTFA (myocardin related transcription factor A; minus strand). Cytogenetic location: 22q13.1.
Variant type: single nucleotide variant.
Coding change: c.2356C>T on transcript NM_020831.6 (MANE Select); coding-DNA position 2356, C replaced by T.
Protein change: p.Pro786Ser; replaces proline 786 with serine.
Molecular consequence: missense variant.
Genome position (GRCh38, 1-based): chr22:40,418,382, G>A on the plus strand (C>T on the coding strand, the complement: MRTFA is on the minus strand). VCF-style: chr22-40418382-G-A. GRCh37 (hg19) VCF-style: chr22-40814386-G-A.
Other names: c.2056C>T, p.Pro686Ser (NM_001282660.2); c.2206C>T, p.Pro736Ser (NM_001282661.3); c.2356C>T, p.Pro786Ser (NM_001282662.3); c.2161C>T, p.Pro721Ser (NM_001318139.2); short protein forms P721S, P686S, P736S, P786S.
Identifiers: ClinVar variation 4724456 (VCV004724456.1).

ClinVar aggregate classification (germline): Uncertain significance (1 of 4 stars; one submission).

Submission:

Labcorp Genetics (formerly Invitae), Labcorp
Classification: Uncertain significance. Last evaluated: 2025-11-03. Review status: criteria provided, single submitter. Criteria: Invitae Variant Classification Sherloc (09022015). Collection method: clinical testing. Allele origin: germline.
Comment: This sequence change replaces proline, which is neutral and non-polar, with serine, which is neutral and polar, at codon 686 of the MKL1 protein (p.Pro686Ser). This variant is not present in population databases (gnomAD no frequency). This variant has not been reported in the literature in individuals affected with MKL1-related conditions. An algorithm developed to predict the effect of missense changes on protein structure and function (PolyPhen-2) suggests that this variant is likely to be disruptive. In summary, the available evidence is currently insufficient to determine the role of this variant in disease. Therefore, it has been classified as a Variant of Uncertain Significance.